The following is an entry in ClinVar:

ClinVar aggregate classification (germline): Benign. Review status: criteria provided, multiple submitters, no conflicts (2 of 4 stars). 4 submissions from 4 submitters: Benign (4). Last evaluated 2024-07-15.

Allele frequency attached by ClinVar (database versions not stated): 1000 Genomes Project 0.32228; 1000 Genomes Project 30x 0.32714; gnomAD exomes 0.43605; TOPMed 0.44225; gnomAD 0.45750 and 0.46575; ExAC 0.47944.
gnomAD v4.1: 809,172 of 1,541,148 alleles (53%); highest among the groups gnomAD compares: Non-Finnish European, 57%; 221,337 homozygotes.

Submissions (4):

Unidad de Genómica Garrahan, Hospital de Pediatría Garrahan
Classification: Benign. Last evaluated: 2024-07-15. Review status: criteria provided, single submitter. Criteria: ACMG Guidelines, 2015. Collection method: clinical testing. Allele origin: germline. Affected: no. Observed: 50 variant alleles.
Comment: This variant is classified as Benign based on local population frequency. This variant was detected in 54% of patients studied in a panel designed for Epileptic and Developmental Encephalopathy and Progressive Myoclonus Epilepsy. Number of patients: 50. Only high quality variants are reported.

Blueprint Genetics
Classification: Benign. Last evaluated: 2023-03-28. Review status: criteria provided, single submitter. Criteria: ACMG Guidelines, 2015. Collection method: clinical testing. Allele origin: germline.

GeneDx
Classification: Benign. Last evaluated: 2018-06-14. Review status: criteria provided, single submitter. Criteria: GeneDx Variant Classification Process June 2021. Collection method: clinical testing. Allele origin: germline. Affected: yes.

Breakthrough Genomics
Classification: Benign. Review status: criteria provided, single submitter. Criteria: ACMG Guidelines, 2015. Collection method: not provided. Allele origin: germline. Inheritance: Autosomal recessive inheritance. Affected: yes.

NM_016373.4(WWOX):c.*127G>T

Genes: MAF (MAF bZIP transcription factor; minus strand), WWOX (WW domain containing oxidoreductase; plus strand). Cytogenetic location: 16q23.2.
Variant type: single nucleotide variant.
Coding change: c.*127G>T on transcript NM_016373.4 (MANE Select); 127 bases downstream of the stop codon, G replaced by T.
Molecular consequence: 3 prime UTR variant.
Genome position (GRCh38, 1-based): chr16:79,211,923, G>T. VCF-style: chr16-79211923-G-T. GRCh37 (hg19) VCF-style: chr16-79245820-G-T.
Other names: c.*127G>T (NM_001291997.2).
Identifiers: ClinVar variation 1247128 (VCV001247128.6), dbSNP rs383362, ClinGen allele CA8183875.